The following is an entry in ClinVar:

ClinVar aggregate classification (germline): Pathogenic (1 of 4 stars; one submission).

Conditions:
Fanconi anemia (FA). Also called: Fanconi's anemia. Identifiers: Orphanet 84, MedGen C0015625, MeSH D005199, MONDO:0019391.

Submission:

Labcorp Genetics (formerly Invitae), Labcorp
Classification: Pathogenic for Fanconi anemia. Last evaluated: 2019-01-23. Review status: criteria provided, single submitter. Criteria: Invitae Variant Classification Sherloc (09022015). Collection method: clinical testing. Allele origin: germline.
Comment: For these reasons, this variant has been classified as Pathogenic. This variant disrupts the C-terminus of the FANCF protein. Other variant(s) that disrupt this region (p.Leu162Aspfs*103) have been determined to be pathogenic (PMID: 26033879, 28102861, 27714961). This suggests that variants that disrupt this region of the protein are likely to be causative of disease. Experimental studies and prediction algorithms are not available for this variant, and the functional significance of the affected amino acid(s) is currently unknown. This variant has not been reported in the literature in individuals with FANCF-related conditions. This variant is not present in population databases (ExAC no frequency). This sequence change results in a premature translational stop signal in the FANCF gene (p.Arg42Alafs*49). While this is not anticipated to result in nonsense mediated decay, it is expected to disrupt the last 333 amino acids of the FANCF protein.

Literature cited by the submitters: PubMed 26033879; PubMed 28102861; PubMed 27714961.

NM_022725.4(FANCF):c.123dup (p.Arg42fs)

Gene: FANCF (FA complementation group F; minus strand). Cytogenetic location: 11p14.3.
Variant type: Duplication.
Coding change: c.123dup on transcript NM_022725.4 (MANE Select); coding-DNA position 123, one base duplicated (G; older notation c.123dupG).
Protein change: p.Arg42fs; shifts the reading frame from arginine 42.
Molecular consequence: frameshift variant.
Genome position (GRCh38, 1-based): chr11:22,625,688, C duplicated on the plus strand (G on the coding strand, the reverse complement: FANCF is on the minus strand). VCF-style (leftmost placement, unchanged base first): chr11-22625687-G-GC. GRCh37 (hg19) VCF-style: chr11-22647233-G-GC.
Other names: short protein forms R42fs.
Identifiers: ClinVar variation 847349 (VCV000847349.9), dbSNP rs1858636931, ClinGen allele CA916081628.